The following is an entry in ClinVar:

NM_015148.4(PASK):c.157G>T (p.Gly53Trp)

Gene: PASK (PAS domain containing serine/threonine kinase; minus strand). Cytogenetic location: 2q37.3.
Variant type: single nucleotide variant.
Coding change: c.157G>T on transcript NM_015148.4 (MANE Select); coding-DNA position 157, G replaced by T.
Protein change: p.Gly53Trp; replaces glycine 53 with tryptophan.
Molecular consequence: missense variant.
Genome position (GRCh38, 1-based): chr2:241,142,876, C>A on the plus strand (G>T on the coding strand, the complement: PASK is on the minus strand). VCF-style: chr2-241142876-C-A. GRCh37 (hg19) VCF-style: chr2-242082291-C-A.
Other names: c.157G>T, p.Gly53Trp (NM_001252119.2, NM_001252120.2, NM_001252122.2 and 1 more transcripts); short protein forms G53W.
Identifiers: ClinVar variation 4891086 (VCV004891086.1).

ClinVar aggregate classification (germline): Uncertain significance (1 of 4 stars; one submission).

Submission:

Greenwood Genetic Center Diagnostic Laboratories, Greenwood Genetic Center
Classification: Uncertain significance. Last evaluated: 2026-05-19. Review status: criteria provided, single submitter. Criteria: ACMG Guidelines, 2015. Collection method: clinical testing. Allele origin: germline.
Comment: Gene of Uncertain Significance